The following is an entry in ClinVar:

ClinVar aggregate classification (germline): Conflicting classifications of pathogenicity. Review status: criteria provided, conflicting classifications (1 of 4 stars). 4 submissions from 4 submitters: Uncertain significance (2); Likely benign (1). 1 of the submissions does not count toward it. Last evaluated 2025-12-20.

Conditions:
Hereditary cancer-predisposing syndrome. Also called: Neoplastic Syndromes, Hereditary; Tumor predisposition; Hereditary Cancer Syndrome; Hereditary neoplastic syndrome. Identifiers: Orphanet 140162, MedGen C0027672, MeSH D009386, MONDO:0015356.
Colorectal cancer, susceptibility to, 12 (CRCS12). Also called: COLORECTAL CANCER, SUSCEPTIBILITY TO, ON CHROMOSOME 12q24. Identifiers: Orphanet 220460, MedGen C3554460, MONDO:0014038, OMIM 615083.

Allele frequency attached by ClinVar (database versions not stated): gnomAD exomes 0.00002 and 0.00003; TOPMed 0.00006; gnomAD 0.00007.
gnomAD v4.1: 49 of 1,614,206 alleles (0.003%); highest among the groups gnomAD compares: Admixed American, 0.023%; no homozygotes.

Submissions (4):

Labcorp Genetics (formerly Invitae), Labcorp
Classification: Uncertain significance. Last evaluated: 2025-12-20. Review status: criteria provided, single submitter. Criteria: Invitae Variant Classification Sherloc (09022015). Collection method: clinical testing. Allele origin: germline.
Comment: This sequence change replaces threonine, which is neutral and polar, with methionine, which is neutral and non-polar, at codon 880 of the POLE protein (p.Thr880Met). This variant is present in population databases (no rsID available, gnomAD 0.01%). This variant has not been reported in the literature in individuals affected with POLE-related conditions. ClinVar contains an entry for this variant (Variation ID: 473545). Invitae Evidence Modeling of protein sequence and biophysical properties (such as structural, functional, and spatial information, amino acid conservation, physicochemical variation, residue mobility, and thermodynamic stability) indicates that this missense variant is not expected to disrupt POLE protein function with a negative predictive value of 80%. In summary, the available evidence is currently insufficient to determine the role of this variant in disease. Therefore, it has been classified as a Variant of Uncertain Significance.

Ambry Genetics
Classification: Likely benign for Hereditary cancer-predisposing syndrome. Last evaluated: 2024-12-17. Review status: criteria provided, single submitter. Criteria: Ambry Variant Classification Scheme 2023. Collection method: clinical testing. Allele origin: germline.

GeneDx
Classification: Uncertain significance. Last evaluated: 2023-06-12. Review status: criteria provided, single submitter. Criteria: GeneDx Variant Classification Process June 2021. Collection method: clinical testing. Allele origin: germline. Affected: yes.
Comment: Observed in individuals with ovarian cancer (Song 2020); In silico analysis supports that this missense variant has a deleterious effect on protein structure/function; This variant is associated with the following publications: (PMID: 29056344, 20951805, 32546565)

Institute of Human Genetics, University of Goettingen
Classification: Uncertain significance for Colorectal cancer, susceptibility to, 12. Last evaluated: 2021-07-28. Review status: no assertion criteria provided. Collection method: clinical testing. Allele origin: unknown. Inheritance: Autosomal dominant inheritance. Affected: yes. Not counted in ClinVar's aggregate classification.

Literature cited by the submitters: PubMed 26133394 (cited by Institute of Human Genetics, University of Goettingen).

NM_006231.4(POLE):c.2639C>T (p.Thr880Met)

Gene: POLE (DNA polymerase epsilon, catalytic subunit; minus strand). Cytogenetic location: 12q24.33.
Variant type: single nucleotide variant.
Coding change: c.2639C>T on transcript NM_006231.4 (MANE Select); coding-DNA position 2639, C replaced by T.
Protein change: p.Thr880Met; replaces threonine 880 with methionine.
Molecular consequence: missense variant.
Genome position (GRCh38, 1-based): chr12:132,664,071, G>A on the plus strand (C>T on the coding strand, the complement: POLE is on the minus strand). VCF-style: chr12-132664071-G-A. GRCh37 (hg19) VCF-style: chr12-133240657-G-A.
Other names: c.2639C>T (NM_006231.2); short protein forms T880M.
Identifiers: ClinVar variation 473545 (VCV000473545.16), dbSNP rs1337524033, ClinGen allele CA387395472.